The following is an entry in ClinVar:

NM_000245.4(MET):c.3065G>T (p.Arg1022Leu)

Gene: MET (MET proto-oncogene, receptor tyrosine kinase; plus strand). Cytogenetic location: 7q31.2.
Variant type: single nucleotide variant.
Coding change: c.3065G>T on transcript NM_000245.4 (MANE Select); coding-DNA position 3065, G replaced by T.
Protein change: p.Arg1022Leu; replaces arginine 1022 with leucine.
Molecular consequence: missense variant.
Genome position (GRCh38, 1-based): chr7:116,774,917, G>T. VCF-style: chr7-116774917-G-T. GRCh37 (hg19) VCF-style: chr7-116414971-G-T.
Other names: c.3119G>T, p.Arg1040Leu (NM_001127500.3); c.1775G>T, p.Arg592Leu (NM_001324402.2); c.3119G>T (LRG_662t1); short protein forms R1040L, R1022L, R592L.
Identifiers: ClinVar variation 216505 (VCV000216505.23), dbSNP rs45612435, ClinGen allele CA339252.

ClinVar aggregate classification (germline): Uncertain significance. Review status: criteria provided, multiple submitters, no conflicts (2 of 4 stars). 5 submissions from 5 submitters: Uncertain significance (5). Last evaluated 2025-12-15.

Conditions:
Renal cell carcinoma. Identifiers: Orphanet 217071, MedGen C0007134, MeSH D002292, MONDO:0005086, HP:0005584.
Autosomal recessive nonsyndromic hearing loss 97. Also called: Deafness, autosomal recessive 97. Identifiers: Orphanet 90636, MedGen C4084709, MONDO:0014739, OMIM 616705.
Hereditary cancer-predisposing syndrome. Also called: Hereditary Cancer Syndrome; Hereditary neoplastic syndrome; Neoplastic Syndromes, Hereditary; Tumor predisposition. Identifiers: Orphanet 140162, MedGen C0027672, MeSH D009386, MONDO:0015356.
Papillary renal cell carcinoma type 1 (RCCP1). Also called: RENAL CELL CARCINOMA, PAPILLARY, 1, SOMATIC; Renal adenocarcinoma; Renal cell carcinoma 1; Renal cell carcinoma, somatic. Identifiers: Orphanet 47044, MedGen C1336839, OMIM 605074, HP:0011797.

gnomAD v4.1: 20 of 1,613,978 alleles (0.0012%); highest among the groups gnomAD compares: Non-Finnish European, 0.0017%; no homozygotes.

Submissions (5):

Labcorp Genetics (formerly Invitae), Labcorp
Classification: Uncertain significance for Renal cell carcinoma. Last evaluated: 2025-12-15. Review status: criteria provided, single submitter. Criteria: Invitae Variant Classification Sherloc (09022015). Collection method: clinical testing. Allele origin: germline.
Comment: This sequence change replaces arginine, which is basic and polar, with leucine, which is neutral and non-polar, at codon 1040 of the MET protein (p.Arg1040Leu). This variant is present in population databases (rs45612435, gnomAD 0.002%). This variant has not been reported in the literature in individuals affected with MET-related conditions. ClinVar contains an entry for this variant (Variation ID: 216505). An algorithm developed to predict the effect of missense changes on protein structure and function (PolyPhen-2) suggests that this variant is likely to be disruptive. In summary, the available evidence is currently insufficient to determine the role of this variant in disease. Therefore, it has been classified as a Variant of Uncertain Significance.

Ambry Genetics
Classification: Uncertain significance for Hereditary cancer-predisposing syndrome. Last evaluated: 2025-11-21. Review status: criteria provided, single submitter. Criteria: Ambry Variant Classification Scheme 2023. Collection method: clinical testing. Allele origin: germline.
Comment: The p.R1040L variant (also known as c.3119G>T), located in coding exon 14 of the MET gene, results from a G to T substitution at nucleotide position 3119. The arginine at codon 1040 is replaced by leucine, an amino acid with dissimilar properties. This amino acid position is highly conserved in available vertebrate species. In addition, this alteration is predicted to be deleterious by in silico analysis. Based on the available evidence, the clinical significance of this variant remains unclear.

Baylor Genetics
Classification: Uncertain significance for Autosomal recessive nonsyndromic hearing loss 97. Last evaluated: 2024-02-06. Review status: criteria provided, single submitter. Criteria: ACMG Guidelines, 2015. Collection method: clinical testing. Allele origin: unknown.

GeneDx
Classification: Uncertain significance. Last evaluated: 2023-05-31. Review status: criteria provided, single submitter. Criteria: GeneDx Variant Classification Process June 2021. Collection method: clinical testing. Allele origin: germline. Affected: yes.
Comment: Not observed at a significant frequency in large population cohorts (gnomAD); In silico analysis supports that this missense variant has a deleterious effect on protein structure/function; Has not been previously published as pathogenic or benign to our knowledge

Illumina Laboratory Services, Illumina
Classification: Uncertain significance for Papillary renal cell carcinoma type 1. Last evaluated: 2018-01-12. Review status: criteria provided, single submitter. Criteria: ICSL Variant Classification Criteria 13 December 2019. Collection method: clinical testing. Allele origin: germline.